The following is an entry in ClinVar:

NM_005263.5(GFI1):c.1021C>T (p.Pro341Ser)

Gene: GFI1 (growth factor independent 1 transcriptional repressor; minus strand). Cytogenetic location: 1p22.1.
Variant type: single nucleotide variant.
Coding change: c.1021C>T on transcript NM_005263.5 (MANE Select); coding-DNA position 1021, C replaced by T.
Protein change: p.Pro341Ser; replaces proline 341 with serine.
Molecular consequence: missense variant.
Genome position (GRCh38, 1-based): chr1:92,478,657, G>A on the plus strand (C>T on the coding strand, the complement: GFI1 is on the minus strand). VCF-style: chr1-92478657-G-A. GRCh37 (hg19) VCF-style: chr1-92944214-G-A.
Other names: c.1021C>T, p.Pro341Ser (NM_001127215.3, NM_001127216.3); short protein forms P341S.
Identifiers: ClinVar variation 3666278 (VCV003666278.2).

ClinVar aggregate classification (germline): Uncertain significance (1 of 4 stars; one submission).

Conditions:
Neutropenia, severe congenital, 2, autosomal dominant. Identifiers: Orphanet 486, MedGen C2751288, MONDO:0013139, OMIM 613107.

Submission:

Labcorp Genetics (formerly Invitae), Labcorp
Classification: Uncertain significance for Neutropenia, severe congenital, 2, autosomal dominant. Last evaluated: 2024-10-03. Review status: criteria provided, single submitter. Criteria: Invitae Variant Classification Sherloc (09022015). Collection method: clinical testing. Allele origin: germline.
Comment: This sequence change replaces proline, which is neutral and non-polar, with serine, which is neutral and polar, at codon 341 of the GFI1 protein (p.Pro341Ser). This variant is not present in population databases (gnomAD no frequency). This variant has not been reported in the literature in individuals affected with GFI1-related conditions. Invitae Evidence Modeling of protein sequence and biophysical properties (such as structural, functional, and spatial information, amino acid conservation, physicochemical variation, residue mobility, and thermodynamic stability) indicates that this missense variant is expected to disrupt GFI1 protein function with a positive predictive value of 80%. In summary, the available evidence is currently insufficient to determine the role of this variant in disease. Therefore, it has been classified as a Variant of Uncertain Significance.